The following is an entry in ClinVar:

ClinVar aggregate classification (germline): Pathogenic. Review status: criteria provided, multiple submitters, no conflicts (2 of 4 stars). 3 submissions from 3 submitters: Pathogenic (3). Last evaluated 2025-09-02.

Conditions:
Cardiovascular phenotype. Identifiers: MedGen CN230736.
Hereditary cancer-predisposing syndrome. Also called: Hereditary Cancer Syndrome; Hereditary neoplastic syndrome; Tumor predisposition; Neoplastic Syndromes, Hereditary. Identifiers: Orphanet 140162, MedGen C0027672, MeSH D009386, MONDO:0015356.
Neurofibromatosis, type 1 (NF1). Also called: Neurofibromatosis, type I; Peripheral type neurofibromatosis; VON RECKLINGHAUSEN DISEASE; NEUROFIBROMATOSIS, TYPE I, SOMATIC. Identifiers: Orphanet 636, MedGen C0027831, MONDO:0018975, OMIM 162200. Disease mechanism: loss of function.

gnomAD v4.1: 1 of 1,614,230 alleles (0.000062%); highest among the groups gnomAD compares: Non-Finnish European, 0.000085%; no homozygotes.

Submissions (3):

Ambry Genetics
Classification: Pathogenic for Cardiovascular phenotype; Hereditary cancer-predisposing syndrome. Last evaluated: 2025-09-02. Review status: criteria provided, single submitter. Criteria: Ambry Variant Classification Scheme 2023. Collection method: clinical testing. Allele origin: germline.
Comment: The p.L1610* pathogenic mutation (also known as c.4829T>G), located in coding exon 36 of the NF1 gene, results from a T to G substitution at nucleotide position 4829. This changes the amino acid from a leucine to a stop codon within coding exon 36. This variant was reported in individual(s) with features consistent with neurofibromatosis type 1 (Assunto A et al. Orphanet J Rare Dis, 2019 Nov;14:261; Ambry internal data). This variant is considered to be rare based on population cohorts in the Genome Aggregation Database (gnomAD). This alteration is expected to result in loss of function by premature protein truncation or nonsense-mediated mRNA decay. As such, this alteration is interpreted as a disease-causing mutation.

Labcorp Genetics (formerly Invitae), Labcorp
Classification: Pathogenic for Neurofibromatosis, type 1. Last evaluated: 2024-04-24. Review status: criteria provided, single submitter. Criteria: Invitae Variant Classification Sherloc (09022015). Collection method: clinical testing. Allele origin: germline.
Comment: This sequence change creates a premature translational stop signal (p.Leu1610*) in the NF1 gene. It is expected to result in an absent or disrupted protein product. Loss-of-function variants in NF1 are known to be pathogenic (PMID: 10712197, 23913538). This variant is not present in population databases (gnomAD no frequency). This premature translational stop signal has been observed in individual(s) with neurofibromatosis (PMID: 23656349, 31730495). ClinVar contains an entry for this variant (Variation ID: 439977). For these reasons, this variant has been classified as Pathogenic.

ARUP Laboratories, Molecular Genetics and Genomics, ARUP Laboratories
Classification: Pathogenic. Last evaluated: 2016-09-25. Review status: criteria provided, single submitter. Criteria: ARUP Molecular Germline Variant Investigation Process. Collection method: clinical testing. Allele origin: germline.

Literature cited by the submitters: PubMed 31730495 (cited by Ambry Genetics and Labcorp Genetics (formerly Invitae), Labcorp); PubMed 10712197 (cited by Labcorp Genetics (formerly Invitae), Labcorp); PubMed 23913538 (cited by Labcorp Genetics (formerly Invitae), Labcorp); PubMed 23656349 (cited by Labcorp Genetics (formerly Invitae), Labcorp).

NM_001042492.3(NF1):c.4892T>G (p.Leu1631Ter)

Gene: NF1 (neurofibromin 1; plus strand). Cytogenetic location: 17q11.2.
Variant type: single nucleotide variant.
Coding change: c.4892T>G on transcript NM_001042492.3 (MANE Select); coding-DNA position 4892, T replaced by G.
Protein change: p.Leu1631Ter; replaces leucine 1631 with a stop codon.
Molecular consequence: nonsense.
Genome position (GRCh38, 1-based): chr17:31,325,876, T>G. VCF-style: chr17-31325876-T-G. GRCh37 (hg19) VCF-style: chr17-29652894-T-G.
Other names: c.4829T>G, p.Leu1610Ter (NM_000267.4); short protein forms L1610*, L1631*.
Identifiers: ClinVar variation 439977 (VCV000439977.12), dbSNP rs1555533292, ClinGen allele CA399007044.